The following is an entry in ClinVar:

ClinVar aggregate classification (germline): Uncertain significance. Review status: criteria provided, multiple submitters, no conflicts (2 of 4 stars). 2 submissions from 2 submitters: Uncertain significance (2). Last evaluated 2026-02-02.

Conditions:
Inborn genetic diseases. Identifiers: MedGen C0950123, MeSH D030342.

Allele frequency attached by ClinVar (database versions not stated): gnomAD exomes 0.00003; TOPMed below 0.00001; gnomAD 0.00001.
gnomAD v4.1: 46 of 1,613,996 alleles (0.0029%); highest among the groups gnomAD compares: Non-Finnish European, 0.0038%; no homozygotes.

Submissions (2):

Labcorp Genetics (formerly Invitae), Labcorp
Classification: Uncertain significance. Last evaluated: 2026-02-02. Review status: criteria provided, single submitter. Criteria: Invitae Variant Classification Sherloc (09022015). Collection method: clinical testing. Allele origin: germline.
Comment: This sequence change replaces arginine, which is basic and polar, with glycine, which is neutral and non-polar, at codon 390 of the MBD4 protein (p.Arg390Gly). This variant is not present in population databases (gnomAD no frequency). This variant has not been reported in the literature in individuals affected with MBD4-related conditions. ClinVar contains an entry for this variant (Variation ID: 2787409). An algorithm developed to predict the effect of missense changes on protein structure and function (PolyPhen-2) suggests that this variant is likely to be tolerated. In summary, the available evidence is currently insufficient to determine the role of this variant in disease. Therefore, it has been classified as a Variant of Uncertain Significance.

Ambry Genetics
Classification: Uncertain significance for Inborn genetic diseases. Last evaluated: 2024-12-16. Review status: criteria provided, single submitter. Criteria: Ambry Variant Classification Scheme 2023. Collection method: clinical testing. Allele origin: germline.
Comment: The p.R390G variant (also known as c.1168A>G), located in coding exon 3 of the MBD4 gene, results from an A to G substitution at nucleotide position 1168. The arginine at codon 390 is replaced by glycine, an amino acid with dissimilar properties. This amino acid position is conserved. In addition, this alteration is predicted to be tolerated by in silico analysis. Based on the available evidence, the clinical significance of this variant remains unclear.

NM_001276270.2(MBD4):c.1168A>G (p.Arg390Gly)

Gene: MBD4 (methyl-CpG binding domain 4, DNA glycosylase; minus strand). Cytogenetic location: 3q21.3.
Variant type: single nucleotide variant.
Coding change: c.1168A>G on transcript NM_001276270.2 (MANE Select); coding-DNA position 1168, A replaced by G.
Protein change: p.Arg390Gly; replaces arginine 390 with glycine.
Molecular consequence: missense variant. On other transcripts: intron variant (1).
Genome position (GRCh38, 1-based): chr3:129,436,476, T>C on the plus strand (A>G on the coding strand, the complement: MBD4 is on the minus strand). VCF-style: chr3-129436476-T-C. GRCh37 (hg19) VCF-style: chr3-129155319-T-C.
Other names: c.1168A>G, p.Arg390Gly (NM_001276271.2, NM_001276272.2, NM_003925.3); c.247+1332A>G (NM_001276273.2); short protein forms R390G.
Identifiers: ClinVar variation 2787409 (VCV002787409.4), dbSNP rs1218136082, ClinGen allele CA354466401.